The following is an entry in ClinVar:

ClinVar aggregate classification (germline): Uncertain significance (1 of 4 stars; one submission).

Allele frequency attached by ClinVar (database versions not stated): gnomAD exomes below 0.00001 and 0.00002; ExAC 0.00001; gnomAD 0.00001; TOPMed 0.00004; ESP Exome Variant Server 0.00008.
gnomAD v4.1: 8 of 1,613,926 alleles (0.0005%); highest among the groups gnomAD compares: African/African-American, 0.008%; no homozygotes.

Submission:

Labcorp Genetics (formerly Invitae), Labcorp
Classification: Uncertain significance. Last evaluated: 2022-07-12. Review status: criteria provided, single submitter. Criteria: Invitae Variant Classification Sherloc (09022015). Collection method: clinical testing. Allele origin: germline.
Comment: This sequence change replaces arginine, which is basic and polar, with serine, which is neutral and polar, at codon 421 of the ARMC9 protein (p.Arg421Ser). This variant is present in population databases (rs372199720, gnomAD 0.02%). This variant has not been reported in the literature in individuals affected with ARMC9-related conditions. ClinVar contains an entry for this variant (Variation ID: 971981). In summary, the available evidence is currently insufficient to determine the role of this variant in disease. Therefore, it has been classified as a Variant of Uncertain Significance.

NM_001352754.2(ARMC9):c.1263G>T (p.Arg421Ser)

Gene: ARMC9 (armadillo repeat containing 9; plus strand). Cytogenetic location: 2q37.1.
Variant type: single nucleotide variant.
Coding change: c.1263G>T on transcript NM_001352754.2 (MANE Select); coding-DNA position 1263, G replaced by T.
Protein change: p.Arg421Ser; replaces arginine 421 with serine.
Molecular consequence: missense variant. On other transcripts: non-coding transcript variant (1).
Genome position (GRCh38, 1-based): chr2:231,273,007, G>T. VCF-style: chr2-231273007-G-T. GRCh37 (hg19) VCF-style: chr2-232137720-G-T.
Other names: c.1263G>T, p.Arg421Ser (NM_001271466.4, NM_001291656.2, NM_001352755.2 and 3 more transcripts); c.1164G>T, p.Arg388Ser (NM_001352757.2, NM_001352758.2); short protein forms R388S, R421S.
Identifiers: ClinVar variation 971981 (VCV000971981.5), dbSNP rs372199720, ClinGen allele CA2160267.